The following is an entry in ClinVar:

ClinVar aggregate classification (germline): Uncertain significance (1 of 4 stars; one submission).

Conditions:
Agammaglobulinemia 4, autosomal recessive (AGM4). Also called: B cell linker protein deficiency; AGAMMAGLOBULINEMIA, AUTOSOMAL RECESSIVE, DUE TO BLNK DEFECT. Identifiers: MedGen C3150752, MONDO:0013289, OMIM 613502.

Submission:

Labcorp Genetics (formerly Invitae), Labcorp
Classification: Uncertain significance for Agammaglobulinemia 4, autosomal recessive. Last evaluated: 2022-07-06. Review status: criteria provided, single submitter. Criteria: Invitae Variant Classification Sherloc (09022015). Collection method: clinical testing. Allele origin: germline.
Comment: This sequence change replaces glutamic acid, which is acidic and polar, with alanine, which is neutral and non-polar, at codon 272 of the BLNK protein (p.Glu272Ala). This variant is not present in population databases (gnomAD no frequency). This variant has not been reported in the literature in individuals affected with BLNK-related conditions. Algorithms developed to predict the effect of missense changes on protein structure and function (SIFT, PolyPhen-2, Align-GVGD) all suggest that this variant is likely to be tolerated. In summary, the available evidence is currently insufficient to determine the role of this variant in disease. Therefore, it has been classified as a Variant of Uncertain Significance.

NM_013314.4(BLNK):c.815A>C (p.Glu272Ala)

Gene: BLNK (B cell linker; minus strand). Cytogenetic location: 10q24.1.
Variant type: single nucleotide variant.
Coding change: c.815A>C on transcript NM_013314.4 (MANE Select); coding-DNA position 815, A replaced by C.
Protein change: p.Glu272Ala; replaces glutamic acid 272 with alanine.
Molecular consequence: missense variant. On other transcripts: non-coding transcript variant (4).
Genome position (GRCh38, 1-based): chr10:96,207,013, T>G on the plus strand (A>C on the coding strand, the complement: BLNK is on the minus strand). VCF-style: chr10-96207013-T-G. GRCh37 (hg19) VCF-style: chr10-97966769-T-G.
Other names: c.746A>C, p.Glu249Ala (NM_001114094.2, NM_001258441.2); c.815A>C, p.Glu272Ala (NM_001258440.2); c.500A>C, p.Glu167Ala (NM_001258442.2); short protein forms E272A, E167A, E249A.
Identifiers: ClinVar variation 2014425 (VCV002014425.4), dbSNP rs2492833489, ClinGen allele CA377720596.